The following is an entry in ClinVar:

GRCh37/hg19 3q24-26.1(chr3:143439359-165252122)x1

Genes: AADAC (arylacetamide deacetylase; plus strand), SERP1 (stress associated endoplasmic reticulum protein 1; minus strand), SHOX2 (SHOX homeobox 2; minus strand), TM4SF18 (transmembrane 4 L six family member 18; minus strand), TM4SF4 (transmembrane 4 L six family member 4; plus strand) and 80 more. Cytogenetic location: 3q24-26.1.
Variant type: copy number loss.
Change: copy number 1 (one copy instead of two) of chr3:143,439,359-165,252,122 (21.81 Mb, GRCh37 coordinates, 1-based), cytogenetic band 3q24-26.1.
Identifiers: ClinVar variation 1328449 (VCV001328449.4).

ClinVar aggregate classification (germline): Pathogenic (1 of 4 stars; one submission).

Submission:

Illumina Laboratory Services, Illumina
Classification: Pathogenic. Last evaluated: 2021-03-26. Review status: criteria provided, single submitter. Criteria: ICSL CNVClassificationCriteria Aug2020. Collection method: clinical testing. Allele origin: unknown.
Comment: This CNV is a 21.8 Mb deletion of 3q25.1-q26.1, on chromosome 3, (seq[GRCh37]del(3)(q25.1q26.1); chr3:g.143439359_165252122del) found in a de novo state. This CNV constitutes a loss encompassing 206 genes, of which, at least 89 are protein coding and include MED12L, ZIC1 and ZIC4. Heterozygous loss of function variants in the MED12L have been associated with autosomal dominant Nizo-Isidor syndrome, a neurodevelopmental disorder characterized by global developmental delay, intellectual disability, as well as nonspecific facial dysmorphisms and brain abnormalities (Nizon et al. 2019). The ZIC1 gene, has been associated with autosomal dominant structural brain anomalies with impaired intellectual development and craniosynostosis (Twigg et al. 2015; Vandervore et al. 2018). The variants reported to date are thought to be gain of function, although deletions including both the adjacent ZIC1 and ZIC4 genes have been noted to cause cerebellar abnormalities including Dandy Walker malformation (Tohyama et al. 2011). Patients with a similar CNV loss in this region have not been reported in the peer-reviewed literature; however, several individuals with smaller de novo deletions and completely encompassed within this region, with the largest reported to be 19.38 Mb, have been reported in the DECIPHER database and in the primary literature (Moortgat et al. 2011, Sudha et al. 2001, Slavotinek et al. 1997, Robin et al. 1992, Firth et al. 2009). These cases are noted to display overlapping phenotypic features, including developmental delay, intellectual disability and dysmorphic features such as synophrys, epicanthus, broad nasal bridge, ear abnormalities and full lips. Based on the size of the CNV, the gene content, the de novo occurrence the CNV, and the presence of smaller de novo CNV losses completely encompassed by this CNV in several individuals with overlapping clinical presentations, this variant is classified a pathogenic.

Literature cited by the submitters: PubMed 11446413; PubMed 19344873; PubMed 21167329; PubMed 21204220; PubMed 26340333; PubMed 30391508; PubMed 31155615; PubMed 8131307; PubMed 9152845.